The following is an entry in ClinVar:

NM_033026.6(PCLO):c.3371A>G (p.Lys1124Arg)

Gene: PCLO (piccolo presynaptic cytomatrix protein; minus strand). Cytogenetic location: 7q21.11.
Variant type: single nucleotide variant.
Coding change: c.3371A>G on transcript NM_033026.6 (MANE Select); coding-DNA position 3371, A replaced by G.
Protein change: p.Lys1124Arg; replaces lysine 1124 with arginine.
Molecular consequence: missense variant.
Genome position (GRCh38, 1-based): chr7:82,966,417, T>C on the plus strand (A>G on the coding strand, the complement: PCLO is on the minus strand). VCF-style: chr7-82966417-T-C. GRCh37 (hg19) VCF-style: chr7-82595733-T-C.
Other names: c.3371A>G, p.Lys1124Arg (NM_014510.3); c.3371A>G (NM_033026.5); short protein forms K1124R.
Identifiers: ClinVar variation 1490205 (VCV001490205.7), dbSNP rs767500081, ClinGen allele CA4321050.

ClinVar aggregate classification (germline): Uncertain significance. Review status: criteria provided, multiple submitters, no conflicts (2 of 4 stars). 2 submissions from 2 submitters: Uncertain significance (2). Last evaluated 2024-06-25.

Conditions:
PCLO-related disorder. Also called: PCLO-related condition.

Allele frequency attached by ClinVar (database versions not stated): gnomAD 0.00001; gnomAD exomes 0.00001 and 0.00002; ExAC 0.00002; TOPMed 0.00002.

Submissions (2):

Labcorp Genetics (formerly Invitae), Labcorp
Classification: Uncertain significance. Last evaluated: 2024-06-25. Review status: criteria provided, single submitter. Criteria: Invitae Variant Classification Sherloc (09022015). Collection method: clinical testing. Allele origin: germline.
Comment: This sequence change replaces lysine, which is basic and polar, with arginine, which is basic and polar, at codon 1124 of the PCLO protein (p.Lys1124Arg). This variant is present in population databases (rs767500081, gnomAD 0.02%). This variant has not been reported in the literature in individuals affected with PCLO-related conditions. ClinVar contains an entry for this variant (Variation ID: 1490205). Algorithms developed to predict the effect of missense changes on protein structure and function output the following: SIFT: "Not Available"; PolyPhen-2: "Not Available"; Align-GVGD: "Not Available". The arginine amino acid residue is found in multiple mammalian species, which suggests that this missense change does not adversely affect protein function. In summary, the available evidence is currently insufficient to determine the role of this variant in disease. Therefore, it has been classified as a Variant of Uncertain Significance.

PreventionGenetics, part of Exact Sciences
Classification: Uncertain significance for PCLO-related condition. Last evaluated: 2023-08-18. Review status: criteria provided, single submitter. Criteria: ACMG Guidelines, 2015. Collection method: clinical testing. Allele origin: germline.
Comment: The PCLO c.3371A>G variant is predicted to result in the amino acid substitution p.Lys1124Arg. To our knowledge, this variant has not been reported in the literature. This variant is reported in 0.018% of alleles in individuals of Latino descent in gnomAD. At this time, the clinical significance of this variant is uncertain due to the absence of conclusive functional and genetic evidence.